The following is an entry in ClinVar:

ClinVar aggregate classification (germline): Uncertain significance (1 of 4 stars; one submission).

Conditions:
Emery-Dreifuss muscular dystrophy 4, autosomal dominant (EDMD4). Also called: EMERY-DREIFUSS MUSCULAR DYSTROPHY 4 WITH VARIABLE FEATURES. Identifiers: Orphanet 261, MedGen C2751807, MONDO:0013071, OMIM 612998.
Autosomal recessive ataxia, Beauce type. Also called: SYNE1 Deficiency; Spinocerebellar ataxia, autosomal recessive 8; ATAXIA, RECESSIVE, OF BEAUCE; SYNE1-Related Autosomal Recessive Cerebellar Ataxia. Identifiers: Orphanet 88644, MedGen C1853116, MONDO:0012549, OMIM 610743.

Allele frequency attached by ClinVar (database versions not stated): gnomAD exomes 0.00005.
gnomAD v4.1: 79 of 1,614,172 alleles (0.0049%); highest among the groups gnomAD compares: Non-Finnish European, 0.0064%; no homozygotes.

Submission:

Labcorp Genetics (formerly Invitae), Labcorp
Classification: Uncertain significance for Emery-Dreifuss muscular dystrophy 4, autosomal dominant; Autosomal recessive ataxia, Beauce type. Last evaluated: 2022-04-09. Review status: criteria provided, single submitter. Criteria: Invitae Variant Classification Sherloc (09022015). Collection method: clinical testing. Allele origin: germline.
Comment: This sequence change replaces threonine, which is neutral and polar, with serine, which is neutral and polar, at codon 7983 of the SYNE1 protein (p.Thr7983Ser). This variant is present in population databases (rs758695645, gnomAD 0.003%). This variant has not been reported in the literature in individuals affected with SYNE1-related conditions. Algorithms developed to predict the effect of missense changes on protein structure and function are either unavailable or do not agree on the potential impact of this missense change (SIFT: "Deleterious"; PolyPhen-2: "Probably Damaging"; Align-GVGD: "Class C0"). In summary, the available evidence is currently insufficient to determine the role of this variant in disease. Therefore, it has been classified as a Variant of Uncertain Significance.

NM_182961.4(SYNE1):c.24160A>T (p.Thr8054Ser)

Gene: SYNE1 (spectrin repeat containing nuclear envelope protein 1; minus strand). Cytogenetic location: 6q25.2.
Variant type: single nucleotide variant.
Coding change: c.24160A>T on transcript NM_182961.4 (MANE Select); coding-DNA position 24160, A replaced by T.
Protein change: p.Thr8054Ser; replaces threonine 8054 with serine.
Molecular consequence: missense variant.
Genome position (GRCh38, 1-based): chr6:152,152,111, T>A on the plus strand (A>T on the coding strand, the complement: SYNE1 is on the minus strand). VCF-style: chr6-152152111-T-A. GRCh37 (hg19) VCF-style: chr6-152473246-T-A.
Other names: c.766A>T, p.Thr256Ser (NM_001347701.2); c.625A>T, p.Thr209Ser (NM_001347702.2); c.23947A>T, p.Thr7983Ser (NM_033071.5); short protein forms T8054S, T209S, T7983S, T256S.
Identifiers: ClinVar variation 2042582 (VCV002042582.1), dbSNP rs758695645, ClinGen allele CA150176575.